The following is an entry in ClinVar:

ClinVar aggregate classification (germline): Uncertain significance. Review status: criteria provided, multiple submitters, no conflicts (2 of 4 stars). 2 submissions from 2 submitters: Uncertain significance (2). Last evaluated 2023-08-24.

Conditions:
Parastremmatic dwarfism. Identifiers: Orphanet 2646, MedGen C1868616, MONDO:0008196, OMIM 168400.
Spondylometaphyseal dysplasia, Kozlowski type (SMDK). Also called: Dysmorphism arthrogryposis skeletal maturation advanced; Jequier-Kozlowski syndrome; Skeletal dysplasia Jequier-Kozlowski type; SMD Kozlowski type; Spondylometaphyseal Dysplasia, TRPV4-Related (Kozlowski Type). Identifiers: Orphanet 93314, MedGen C0265280, MONDO:0008477, OMIM 184252.
Sodium serum level quantitative trait locus 1 (SSQTL1). Identifiers: MedGen C3150755, OMIM 613508.
Charcot-Marie-Tooth disease axonal type 2C (HMSN2C). Also called: CHARCOT-MARIE-TOOTH DISEASE, AXONAL, AUTOSOMAL DOMINANT, TYPE 2C; Charcot-Marie-Tooth Neuropathy Type 2C; Charcot-Marie-Tooth Disease Type 2, TRPV4-Related (CMT2C). Identifiers: Orphanet 99937, MedGen C1853710, MONDO:0011633, OMIM 606071.
Brachyrachia (short spine dysplasia) (BCYM3). Also called: Brachyolmia Type 3; Autosomal dominant brachyolmia; Brachyolmia, TRPV4-Related; BRACHYRACHIA. Identifiers: Orphanet 93304, MedGen C0432227, MONDO:0007232, OMIM 113500.
Neuronopathy, distal hereditary motor, autosomal dominant 8. Also called: NEURONOPATHY, DISTAL HEREDITARY MOTOR, TYPE VIII; NEUROPATHY, DISTAL HEREDITARY MOTOR, TYPE VIII; Autosomal dominant congenital benign spinal muscular atrophy; SPINAL MUSCULAR ATROPHY, CONGENITAL BENIGN, WITH CONTRACTURES. Identifiers: Orphanet 1216, MedGen C1838492, MONDO:0010839, OMIM 600175.
Scapuloperoneal spinal muscular atrophy (SPSMA). Also called: Scapuloperoneal Spinal Muscular Atrophy, TRPV4-Related; AMYOTROPHY, NEUROGENIC SCAPULOPERONEAL, NEW ENGLAND TYPE; Scapuloperoneal spinal muscular atrophy, autosomal dominant; Scapuloperoneal Form of Spinal Muscular Atrophy. Identifiers: Orphanet 431255, MedGen C0751335, MONDO:0008408, OMIM 181405.
Familial digital arthropathy-brachydactyly. Identifiers: Orphanet 85169, MedGen C1847406, MONDO:0011732, OMIM 606835.
Spondyloepimetaphyseal dysplasia, Maroteaux type (SEDM). Also called: PSEUDO-MORQUIO SYNDROME, TYPE 2; Spondyloepimetaphyseal Dysplasia, TRPV4-Related (Maroteaux Type); SED, MAROTEAUX TYPE. Identifiers: Orphanet 263482, MedGen C3159322, MONDO:0008473, OMIM 184095.
Metatropic dysplasia (MTD). Also called: Metatropic dysplasia, nonlethal dominant; Metatropic Dysplasia, TRPV4-Related; METATROPIC DWARFISM. Identifiers: Orphanet 2635, MedGen C0265281, MONDO:0007986, OMIM 156530.
Avascular necrosis of femoral head, primary, 2 (ANFH2). Identifiers: MedGen C4479260, MONDO:0054551, OMIM 617383.

Allele frequency attached by ClinVar (database versions not stated): ExAC 0.00001; gnomAD exomes below 0.00001 and 0.00001.
gnomAD v4.1: 2 of 1,612,608 alleles (0.00012%); highest among the groups gnomAD compares: East Asian, 0.0045%; no homozygotes.

Submissions (2):

Labcorp Genetics (formerly Invitae), Labcorp
Classification: Uncertain significance for Charcot-Marie-Tooth disease axonal type 2C. Last evaluated: 2023-08-24. Review status: criteria provided, single submitter. Criteria: Invitae Variant Classification Sherloc (09022015). Collection method: clinical testing. Allele origin: germline.
Comment: This variant is present in population databases (rs745759761, gnomAD 0.02%). In summary, the available evidence is currently insufficient to determine the role of this variant in disease. Therefore, it has been classified as a Variant of Uncertain Significance. Advanced modeling of protein sequence and biophysical properties (such as structural, functional, and spatial information, amino acid conservation, physicochemical variation, residue mobility, and thermodynamic stability) performed at Invitae indicates that this missense variant is not expected to disrupt TRPV4 protein function. ClinVar contains an entry for this variant (Variation ID: 1024231). This variant has not been reported in the literature in individuals affected with TRPV4-related conditions. This sequence change replaces tyrosine, which is neutral and polar, with cysteine, which is neutral and slightly polar, at codon 490 of the TRPV4 protein (p.Tyr490Cys).

Juno Genomics, Hangzhou Juno Genomics, Inc
Classification: Uncertain significance for Avascular necrosis of femoral head, primary, 2; Sodium serum level quantitative trait locus 1; Brachyrachia (short spine dysplasia); Familial digital arthropathy-brachydactyly; Charcot-Marie-Tooth disease axonal type 2C; Metatropic dysplasia; Neuronopathy, distal hereditary motor, autosomal dominant 8; Parastremmatic dwarfism; Scapuloperoneal spinal muscular atrophy; Spondyloepimetaphyseal dysplasia, Maroteaux type; Spondylometaphyseal dysplasia, Kozlowski type. Review status: criteria provided, single submitter. Criteria: ACMG Guidelines, 2015. Collection method: clinical testing. Allele origin: germline. Affected: yes.
Comment: Absent from controls (or at extremely low frequency if recessive) in Genome Aggregation Database, Exome Sequencing Project, 1000 Genomes Project, or Exome Aggregation Consortium.;Multiple lines of computational evidence support a deleterious effect on the gene or gene product (conservation, evolutionary, splicing impact, etc).

NM_021625.5(TRPV4):c.1469A>G (p.Tyr490Cys)

Gene: TRPV4 (transient receptor potential cation channel subfamily V member 4; minus strand). Cytogenetic location: 12q24.11.
Variant type: single nucleotide variant.
Coding change: c.1469A>G on transcript NM_021625.5 (MANE Select); coding-DNA position 1469, A replaced by G.
Protein change: p.Tyr490Cys; replaces tyrosine 490 with cysteine.
Molecular consequence: missense variant.
Genome position (GRCh38, 1-based): chr12:109,794,351, T>C on the plus strand (A>G on the coding strand, the complement: TRPV4 is on the minus strand). VCF-style: chr12-109794351-T-C. GRCh37 (hg19) VCF-style: chr12-110232156-T-C.
Other names: c.1289A>G, p.Tyr430Cys (NM_147204.3); c.1328A>G, p.Tyr443Cys (NM_001177428.2); c.1367A>G, p.Tyr456Cys (NM_001177431.2); c.1148A>G, p.Tyr383Cys (NM_001177433.2); short protein forms Y383C, Y430C, Y443C, Y456C, Y490C.
Identifiers: ClinVar variation 1024231 (VCV001024231.11), dbSNP rs745759761, ClinGen allele CA6780233.